The following is an entry in ClinVar:

NM_007294.4(BRCA1):c.5333-10T>G

Gene: BRCA1 (BRCA1 DNA repair associated; minus strand). Cytogenetic location: 17q21.31.
Variant type: single nucleotide variant.
Coding change: c.5333-10T>G on transcript NM_007294.4 (MANE Select); 10 bases into the intron before coding-DNA position 5333, T replaced by G.
Molecular consequence: intron variant.
Genome position (GRCh38, 1-based): chr17:43,049,204, A>C on the plus strand (T>G on the coding strand, the complement: BRCA1 is on the minus strand). VCF-style: chr17-43049204-A-C. GRCh37 (hg19) VCF-style: chr17-41201221-A-C.
Other names: c.5186-10T>G (NM_001407842.1, NM_001407846.1, NM_001407850.1 and 12 more transcripts); c.5189-10T>G (NM_001407749.1, NM_001407748.1, NM_001407752.1 and 18 more transcripts); c.1760-10T>G (NM_001408501.1, NM_001408500.1, NM_001408497.1 and 3 more transcripts); c.1883-10T>G (NM_001408455.1, NM_001408452.1, NM_001408457.1 and 3 more transcripts); c.5192-10T>G (NM_001407731.1, NM_001407695.1, NM_001407726.1 and 12 more transcripts); c.5123-10T>G (NM_001407889.1, NM_001407884.1, NM_001407879.1 and 5 more transcripts); c.1493-10T>G (NM_001408513.1); c.1757-10T>G (NM_001408503.1, NM_001408502.1, NM_001408504.1); and 84 more.
Identifiers: ClinVar variation 865347 (VCV000865347.3), dbSNP rs2051099313, ClinGen allele CA916080898.

Conditions:
Breast-ovarian cancer, familial, susceptibility to, 1 (BROVCA1). Also called: BRCA1 Hereditary Breast and Ovarian Cancer; OVARIAN CANCER, SUSCEPTIBILITY TO. Identifiers: Orphanet 145, MedGen C2676676, MONDO:0011450, OMIM 604370. Disease mechanism: loss of function.

Submission:

Brotman Baty Institute, University of Washington
No classification provided (evidence only). Condition: Breast-ovarian cancer, familial 1. Review status: no classification provided. Collection method: in vitro. Allele origin: not applicable. Functional consequence: function_uncertain_variant.
ClinVar note: "not provided" was previously submitted as the classification for the variant. However, the classification appeared to be based only on an observation of functional data so it was converted to no classification on 2025-07-30.